The following is an entry in ClinVar:

ClinVar aggregate classification (germline): Pathogenic (1 of 4 stars; one submission).

Submission:

Labcorp Genetics (formerly Invitae), Labcorp
Classification: Pathogenic. Last evaluated: 2022-04-16. Review status: criteria provided, single submitter. Criteria: Invitae Variant Classification Sherloc (09022015). Collection method: clinical testing. Allele origin: germline.
Comment: For these reasons, this variant has been classified as Pathogenic. This variant has not been reported in the literature in individuals affected with ESCO2-related conditions. This variant is not present in population databases (gnomAD no frequency). This sequence change creates a premature translational stop signal (p.Ile199Asnfs*16) in the ESCO2 gene. It is expected to result in an absent or disrupted protein product. Loss-of-function variants in ESCO2 are known to be pathogenic (PMID: 15821733, 16380922).

Literature cited by the submitters: PubMed 15821733; PubMed 16380922.

NM_001017420.3(ESCO2):c.595dup (p.Ile199fs)

Gene: ESCO2 (establishment of sister chromatid cohesion N-acetyltransferase 2; plus strand). Cytogenetic location: 8p21.1.
Variant type: Duplication.
Coding change: c.595dup on transcript NM_001017420.3 (MANE Select); coding-DNA position 595, one base duplicated (A; older notation c.595dupA).
Protein change: p.Ile199fs; shifts the reading frame from isoleucine 199.
Molecular consequence: frameshift variant.
Genome position (GRCh38, 1-based): chr8:27,776,903, A duplicated; the last of 6 consecutive A bases (chr8:27,776,898-27,776,903); duplicating any one gives the same sequence. VCF-style (leftmost placement, unchanged base first): chr8-27776897-C-CA. GRCh37 (hg19) VCF-style: chr8-27634414-C-CA.
Other names: short protein forms I199fs.
Identifiers: ClinVar variation 2126800 (VCV002126800.4), dbSNP rs1563468940, ClinGen allele CA2580078162.